The following is an entry in ClinVar:

ClinVar aggregate classification (germline): Pathogenic. Review status: criteria provided, multiple submitters, no conflicts (2 of 4 stars). 2 submissions from 2 submitters: Pathogenic (2). Last evaluated 2025-10-16.

Conditions:
Hereditary cancer-predisposing syndrome. Also called: Hereditary Cancer Syndrome; Tumor predisposition; Neoplastic Syndromes, Hereditary; Hereditary neoplastic syndrome. Identifiers: Orphanet 140162, MedGen C0027672, MeSH D009386, MONDO:0015356.
Familial adenomatous polyposis 1 (FAP1). Also called: FAMILIAL ADENOMATOUS POLYPOSIS 1, ATTENUATED; POLYPOSIS, ADENOMATOUS INTESTINAL. Identifiers: MedGen C2713442, MONDO:0021056, OMIM 175100. Disease mechanism: loss of function.

Submissions (2):

Ambry Genetics
Classification: Pathogenic for Hereditary cancer-predisposing syndrome. Last evaluated: 2025-10-16. Review status: criteria provided, single submitter. Criteria: Ambry Variant Classification Scheme 2023. Collection method: clinical testing. Allele origin: germline.
Comment: The c.4760_4767dupCATCACGT pathogenic mutation, located in coding exon 15 of the APC gene, results from a duplication of CATCACGT at nucleotide positions 4760 to 4767, causing a translational frameshift with a predicted alternate stop codon (p.K1590Hfs*63). This alteration occurs at the 3' terminus of the gene, is not expected to trigger nonsense-mediated mRNA decay, and impacts the last 44% of the protein. However, premature stop codons are typically deleterious in nature, the impacted region is critical for protein function, and a significant portion of the protein is affected (Ambry internal data). This variant was reported in individual(s) with features consistent with APC-related familial adenomatous polyposis (Ambry internal data). This variant is considered to be rare based on population cohorts in the Genome Aggregation Database (gnomAD). As such, this alteration is interpreted as a disease-causing mutation.

Labcorp Genetics (formerly Invitae), Labcorp
Classification: Pathogenic for Familial adenomatous polyposis 1. Last evaluated: 2022-09-22. Review status: criteria provided, single submitter. Criteria: Invitae Variant Classification Sherloc (09022015). Collection method: clinical testing. Allele origin: germline.
Comment: This variant is expected to disrupt the EB1 and HDLG binding sites, which mediate interactions with the cytoskeleton (PMID: 15311282, 17293347). While functional studies have not been performed to directly test the effect on APC protein function, this suggests that disruption of the C-terminal portion of the protein is functionally important. A different truncation (p.Tyr2645Lysfs*14) that lies downstream of this variant has been determined to be pathogenic (PMID: 9824584, 1316610, 27081525, 8381579, 22135120, Invitae). This suggests that deletion of this region of the APC protein is causative of disease. For these reasons, this variant has been classified as Pathogenic. This variant has not been reported in the literature in individuals affected with APC-related conditions. This variant is not present in population databases (gnomAD no frequency). This sequence change creates a premature translational stop signal (p.Lys1590Hisfs*63) in the APC gene. While this is not anticipated to result in nonsense mediated decay, it is expected to disrupt the last 1254 amino acid(s) of the APC protein.

Literature cited by the submitters: PubMed 15311282 (cited by Labcorp Genetics (formerly Invitae), Labcorp); PubMed 17293347 (cited by Labcorp Genetics (formerly Invitae), Labcorp); PubMed 9824584 (cited by Labcorp Genetics (formerly Invitae), Labcorp); PubMed 1316610 (cited by Labcorp Genetics (formerly Invitae), Labcorp); PubMed 27081525 (cited by Labcorp Genetics (formerly Invitae), Labcorp); PubMed 8381579 (cited by Labcorp Genetics (formerly Invitae), Labcorp); PubMed 22135120 (cited by Labcorp Genetics (formerly Invitae), Labcorp).

NM_000038.6(APC):c.4760_4767dup (p.Lys1590fs)

Gene: APC (APC regulator of Wnt signaling pathway; plus strand). Cytogenetic location: 5q22.2.
Variant type: Duplication.
Coding change: c.4760_4767dup on transcript NM_000038.6 (MANE Select); coding-DNA positions 4760 to 4767, 8 bases duplicated (CATCACGT; older notation c.4760_4767dupCATCACGT).
Protein change: p.Lys1590fs; shifts the reading frame from lysine 1590.
Molecular consequence: frameshift variant.
Genome position (GRCh38, 1-based): chr5:112,840,354-112,840,361, CATCACGT duplicated; duplicating any 8 consecutive bases within chr5:112,840,352-112,840,361 gives the same sequence; the c. name uses the placement nearest the transcript's 3' end. VCF-style (leftmost placement, unchanged base first): chr5-112840351-A-AGTCATCAC. GRCh37 (hg19) VCF-style: chr5-112176048-A-AGTCATCAC.
Other names: c.4760_4767dupCATCACGT (NM_000038.5); c.4760_4767dup, p.Lys1590fs (NM_001127510.3, NM_001354895.2); c.4706_4713dup, p.Lys1572fs (NM_001127511.3); c.4814_4821dup, p.Lys1608fs (NM_001354896.2); c.4790_4797dup, p.Lys1600fs (NM_001354897.2); c.4685_4692dup, p.Lys1565fs (NM_001354898.2); c.4676_4683dup, p.Lys1562fs (NM_001354899.2); c.4637_4644dup, p.Lys1549fs (NM_001354900.2); and 17 more; short protein forms K1430fs, K1499fs, K1572fs, K1600fs, K1608fs, K1307fs, K1489fs, K1531fs.
Identifiers: ClinVar variation 2027179 (VCV002027179.5), dbSNP rs2533597916, ClinGen allele CA2580072562.